The following is an entry in ClinVar:

NM_001378156.1(C1QB):c.741A>C (p.Pro247=)

Gene: C1QB (complement C1q B chain; plus strand). Cytogenetic location: 1p36.12.
Variant type: single nucleotide variant.
Coding change: c.741A>C on transcript NM_001378156.1 (MANE Select); coding-DNA position 741, A replaced by C.
Protein change: p.Pro247=; no amino-acid change (proline 247 retained).
Molecular consequence: synonymous variant.
Genome position (GRCh38, 1-based): chr1:22,661,371, A>C. VCF-style: chr1-22661371-A-C. GRCh37 (hg19) VCF-style: chr1-22987864-A-C.
Other names: p.Pro249=; c.747A>C, p.Pro249= (NM_000491.5); c.741A>C, p.Pro247= (NM_001371184.3).
Identifiers: ClinVar variation 1553637 (VCV001553637.11), dbSNP rs113061112, ClinGen allele CA678222.

ClinVar aggregate classification (germline): Likely benign. Review status: criteria provided, multiple submitters, no conflicts (2 of 4 stars). 4 submissions from 4 submitters: Likely benign (4). Last evaluated 2026-01-22.

Allele frequency attached by ClinVar (database versions not stated): gnomAD exomes 0.00006 and 0.00014; ExAC 0.00017; ESP Exome Variant Server 0.00038; gnomAD 0.00048; 1000 Genomes Project 30x 0.00062; TOPMed 0.00065; 1000 Genomes Project 0.00080.
gnomAD v4.1: 175 of 1,613,782 alleles (0.011%); highest among the groups gnomAD compares: African/African-American, 0.18%; no homozygotes.

Submissions (4):

Women's Health and Genetics/Laboratory Corporation of America, LabCorp
Classification: Likely benign. Last evaluated: 2026-01-22. Review status: criteria provided, single submitter. Criteria: LabCorp Variant Classification Summary - May 2015. Collection method: clinical testing. Allele origin: germline.

Labcorp Genetics (formerly Invitae), Labcorp
Classification: Likely benign. Last evaluated: 2025-12-16. Review status: criteria provided, single submitter. Criteria: Invitae Variant Classification Sherloc (09022015). Collection method: clinical testing. Allele origin: germline.

Mayo Clinic Laboratories, Mayo Clinic
Classification: Likely benign. Last evaluated: 2025-10-24. Review status: criteria provided, single submitter. Criteria: ACMG Guidelines, 2015. Collection method: clinical testing. Allele origin: germline. Observed: 1 variant allele.
Comment: BS1, BP4, BP7

Blueprint Genetics
Classification: Likely benign. Last evaluated: 2024-11-25. Review status: criteria provided, single submitter. Criteria: ACMG Guidelines, 2015. Collection method: clinical testing. Allele origin: germline.